The following is an entry in ClinVar:

ClinVar aggregate classification (germline): Uncertain significance. Review status: criteria provided, multiple submitters, no conflicts (2 of 4 stars). 2 submissions from 2 submitters: Uncertain significance (2). Last evaluated 2019-11-13.

Allele frequency attached by ClinVar (database versions not stated): gnomAD exomes below 0.00001.
gnomAD v4.1: 2 of 1,560,776 alleles (0.00013%); highest among the groups gnomAD compares: Non-Finnish European, 0.00017%; no homozygotes.

Submissions (2):

GeneDx
Classification: Uncertain significance. Last evaluated: 2019-11-13. Review status: criteria provided, single submitter. Criteria: GeneDx Variant Classification Process June 2021. Collection method: clinical testing. Allele origin: germline. Affected: yes.
Comment: Not observed at a significant frequency in large population cohorts (Lek et al., 2016); Has not been previously published as pathogenic or benign to our knowledge; In-silico analysis, which includes splice predictors and evolutionary conservation, is inconclusive as to whether the variant alters gene splicing. In the absence of RNA/functional studies, the actual effect of this sequence change is unknown.

CeGaT Center for Human Genetics Tuebingen
Classification: Uncertain significance. Last evaluated: 2017-08-01. Review status: criteria provided, single submitter. Criteria: CeGaT Center For Human Genetics Tuebingen Variant Classification Criteria Version 2. Collection method: clinical testing. Allele origin: germline. Affected: yes. Observed: 1 variant allele.

NM_173630.4(RTTN):c.4374G>A (p.Gln1458=)

Gene: RTTN (rotatin; minus strand). Cytogenetic location: 18q22.2.
Variant type: single nucleotide variant.
Coding change: c.4374G>A on transcript NM_173630.4 (MANE Select); coding-DNA position 4374, G replaced by A.
Protein change: p.Gln1458=; no amino-acid change (glutamine 1458 retained).
Molecular consequence: synonymous variant.
Genome position (GRCh38, 1-based): chr18:70,086,613, C>T on the plus strand (G>A on the coding strand, the complement: RTTN is on the minus strand). VCF-style: chr18-70086613-C-T. GRCh37 (hg19) VCF-style: chr18-67753849-C-T.
Other names: c.1638G>A, p.Gln546= (NM_001318520.2).
Identifiers: ClinVar variation 493240 (VCV000493240.45), dbSNP rs1459805081, ClinGen allele CA504325648.